The following is an entry in ClinVar:

NM_000051.4(ATM):c.5475dup (p.Leu1826fs)

Gene: ATM (ATM serine/threonine kinase; plus strand). Cytogenetic location: 11q22.3.
Variant type: Duplication.
Coding change: c.5475dup on transcript NM_000051.4 (MANE Select); coding-DNA position 5475, one base duplicated (A; older notation c.5475dupA).
Protein change: p.Leu1826fs; shifts the reading frame from leucine 1826.
Molecular consequence: frameshift variant.
Genome position (GRCh38, 1-based): chr11:108,303,008, A duplicated; the last of 2 consecutive A bases (chr11:108,303,007-108,303,008); duplicating either gives the same sequence. VCF-style (leftmost placement, unchanged base first): chr11-108303006-C-CA. GRCh37 (hg19) VCF-style: chr11-108173733-C-CA.
Other names: c.5475dup, p.Leu1826fs (NM_001351834.2); c.5475dupA (NM_000051.3); short protein forms L1826fs.
Identifiers: ClinVar variation 1747763 (VCV001747763.2), dbSNP rs2546980685, ClinGen allele CA2580083150.

ClinVar aggregate classification (germline): Pathogenic (1 of 4 stars; one submission).

Conditions:
Hereditary cancer-predisposing syndrome. Also called: Hereditary Cancer Syndrome; Hereditary neoplastic syndrome; Neoplastic Syndromes, Hereditary; Tumor predisposition. Identifiers: Orphanet 140162, MedGen C0027672, MeSH D009386, MONDO:0015356.

Submission:

Ambry Genetics
Classification: Pathogenic for Hereditary cancer-predisposing syndrome. Last evaluated: 2020-11-24. Review status: criteria provided, single submitter. Criteria: Ambry Variant Classification Scheme 2023. Collection method: clinical testing. Allele origin: germline.
Comment: The c.5475dupA pathogenic mutation, located in coding exon 35 of the ATM gene, results from a duplication of A at nucleotide position 5475, causing a translational frameshift with a predicted alternate stop codon (p.L1826Ifs*7). This alteration is expected to result in loss of function by premature protein truncation or nonsense-mediated mRNA decay. As such, this alteration is interpreted as a disease-causing mutation.